The following is an entry in ClinVar:

NM_024753.5(TTC21B):c.455A>G (p.Asp152Gly)

Genes: TTC21B (tetratricopeptide repeat domain 21B; minus strand), TTC21B-AS1 (TTC21B antisense RNA 1; plus strand). Cytogenetic location: 2q24.3.
Variant type: single nucleotide variant.
Coding change: c.455A>G on transcript NM_024753.5 (MANE Select); coding-DNA position 455, A replaced by G.
Protein change: p.Asp152Gly; replaces aspartic acid 152 with glycine.
Molecular consequence: missense variant.
Genome position (GRCh38, 1-based): chr2:165,943,316, T>C on the plus strand (A>G on the coding strand, the complement: TTC21B is on the minus strand). VCF-style: chr2-165943316-T-C. GRCh37 (hg19) VCF-style: chr2-166799826-T-C.
Other names: short protein forms D152G.
Identifiers: ClinVar variation 1405239 (VCV001405239.8), dbSNP rs145726127, ClinGen allele CA349052295.

ClinVar aggregate classification (germline): Uncertain significance (1 of 4 stars; one submission).

Conditions:
Jeune thoracic dystrophy. Also called: Short-rib thoracic dysplasia; Jeune syndrome; Infantile thoracic dystrophy; Thoracic pelvic phalangeal dystrophy; Jeune's syndrome; Chondroectodermal dysplasia-like syndrome. Identifiers: Orphanet 474, MedGen C0265275, MONDO:0018770.
Nephronophthisis. Also called: Juvenile Nephronophthisis. Identifiers: Orphanet 655, MedGen C0687120, MONDO:0019005, HP:0000090.

gnomAD v4.1: 4 of 1,610,208 alleles (0.00025%); highest among the groups gnomAD compares: Non-Finnish European, 0.00025%; no homozygotes.

Submission:

Labcorp Genetics (formerly Invitae), Labcorp
Classification: Uncertain significance for Jeune thoracic dystrophy; Nephronophthisis. Last evaluated: 2022-07-11. Review status: criteria provided, single submitter. Criteria: Invitae Variant Classification Sherloc (09022015). Collection method: clinical testing. Allele origin: germline.
Comment: In summary, the available evidence is currently insufficient to determine the role of this variant in disease. Therefore, it has been classified as a Variant of Uncertain Significance. Algorithms developed to predict the effect of sequence changes on RNA splicing suggest that this variant may create or strengthen a splice site. Algorithms developed to predict the effect of missense changes on protein structure and function are either unavailable or do not agree on the potential impact of this missense change (SIFT: "Deleterious"; PolyPhen-2: "Possibly Damaging"; Align-GVGD: "Class C0"). ClinVar contains an entry for this variant (Variation ID: 1405239). This variant has not been reported in the literature in individuals affected with TTC21B-related conditions. This variant is not present in population databases (gnomAD no frequency). This sequence change replaces aspartic acid, which is acidic and polar, with glycine, which is neutral and non-polar, at codon 152 of the TTC21B protein (p.Asp152Gly).